The following is an entry in ClinVar:

NM_001042492.3(NF1):c.5731A>T (p.Ile1911Phe)

Gene: NF1 (neurofibromin 1; plus strand). Cytogenetic location: 17q11.2.
Variant type: single nucleotide variant.
Coding change: c.5731A>T on transcript NM_001042492.3 (MANE Select); coding-DNA position 5731, A replaced by T.
Protein change: p.Ile1911Phe; replaces isoleucine 1911 with phenylalanine.
Molecular consequence: missense variant.
Genome position (GRCh38, 1-based): chr17:31,330,417, A>T. VCF-style: chr17-31330417-A-T. GRCh37 (hg19) VCF-style: chr17-29657435-A-T.
Other names: c.5668A>T, p.Ile1890Phe (NM_000267.4); short protein forms I1911F, I1890F.
Identifiers: ClinVar variation 1992720 (VCV001992720.4), dbSNP rs146523293, ClinGen allele CA399010351.
Genomic context (GRCh38, chr17:31,330,417, plus strand): 5'-CAGTTACTAGAGACATCAGGTTTATGTATCCCTGCCAACAACACCCTCTTTATTGTCTCT[A>T]TTAGTAAGACACTGGCAGCCAATGAGCCACACCTCACGTTAGAATTTTTGGAAGAGTGTA-3'
Protein context (NP_001035957.1, residues 1901-1921): PANNTLFIVS[Ile1911Phe]SKTLAANEPH

ClinVar aggregate classification (germline): Uncertain significance (1 of 4 stars; one submission).

Conditions:
Neurofibromatosis, type 1 (NF1). Also called: VON RECKLINGHAUSEN DISEASE; Peripheral type neurofibromatosis; Neurofibromatosis, type I; NEUROFIBROMATOSIS, TYPE I, SOMATIC. Identifiers: Orphanet 636, MedGen C0027831, MONDO:0018975, OMIM 162200. Disease mechanism: loss of function.

Submission:

Labcorp Genetics (formerly Invitae), Labcorp
Classification: Uncertain significance for Neurofibromatosis, type 1. Last evaluated: 2022-05-10. Review status: criteria provided, single submitter. Criteria: Invitae Variant Classification Sherloc (09022015). Collection method: clinical testing. Allele origin: germline.
Comment: In summary, the available evidence is currently insufficient to determine the role of this variant in disease. Therefore, it has been classified as a Variant of Uncertain Significance. Algorithms developed to predict the effect of sequence changes on RNA splicing suggest that this variant may disrupt the consensus splice site. Advanced modeling of protein sequence and biophysical properties (such as structural, functional, and spatial information, amino acid conservation, physicochemical variation, residue mobility, and thermodynamic stability) performed at Invitae indicates that this missense variant is expected to disrupt NF1 protein function. This variant has not been reported in the literature in individuals affected with NF1-related conditions. This variant is not present in population databases (gnomAD no frequency). This sequence change replaces isoleucine, which is neutral and non-polar, with phenylalanine, which is neutral and non-polar, at codon 1890 of the NF1 protein (p.Ile1890Phe).